The following is an entry in ClinVar:

NC_000010.10:g.(54031250_54032151)_(54050051_54053561)del

Gene: PRKG1 (protein kinase cGMP-dependent 1; plus strand). Cytogenetic location: 10q21.1.
Variant type: Deletion.
Identifiers: ClinVar variation 3374987 (VCV003374987.1).

ClinVar aggregate classification (germline): Uncertain significance (1 of 4 stars; one submission).

Submission:

Women's Health and Genetics/Laboratory Corporation of America, LabCorp
Classification: Uncertain significance. Last evaluated: 2024-09-09. Review status: criteria provided, single submitter. Criteria: LabCorp Variant Classification Summary - May 2015. Collection method: clinical testing. Allele origin: germline.
Comment: Variant summary: The variant involves the deletion of exons 12-17 in the PRKG1 gene. A presumed nomenclature of c.(1313+1_1314-1)_(1962+1_1963-1)del has been designated for the purposes of this classification. This Copy Number Variant (CNV) is expected to alter the reading frame and predicted to result in a truncation or absence of the encoded protein due to nonsense mediated decay (NMD). However, current evidence is not sufficient to establish loss of function as a mechanism for disease. The variant was absent in 21694 control chromosomes. The available data on variant occurrences in the general population are insufficient to allow any conclusion about variant significance. To our knowledge, no occurrence of c.(1313+1_1314-1)_(1962+1_1963-1)del in individuals affected with Thoracic Aortic Aneurysms And Dissections and no experimental evidence demonstrating its impact on protein function have been reported. No submitters have cited clinical-significance assessments for this variant to ClinVar. Based on the evidence outlined above, the variant was classified as uncertain significance.